The following is an entry in ClinVar:

ClinVar aggregate classification (germline): Uncertain significance. Review status: criteria provided, multiple submitters, no conflicts (2 of 4 stars). 4 submissions from 4 submitters: Uncertain significance (4). Last evaluated 2026-01-31.

Conditions:
Inborn genetic diseases. Identifiers: MedGen C0950123, MeSH D030342.

Allele frequency attached by ClinVar (database versions not stated): gnomAD exomes 0.00001; ExAC 0.00002; TOPMed 0.00002.
gnomAD v4.1: 16 of 1,614,062 alleles (0.00099%); highest among the groups gnomAD compares: Non-Finnish European, 0.0013%; no homozygotes.

Submissions (4):

GeneDx
Classification: Uncertain significance. Last evaluated: 2026-01-31. Review status: criteria provided, single submitter. Criteria: GeneDx Variant Classification Process June 2021. Collection method: clinical testing. Allele origin: germline.
Comment: Not observed at significant frequency in large population cohorts (gnomAD); In silico analysis supports that this missense variant has a deleterious effect on protein structure/function; Has not been previously published as pathogenic or benign to our knowledge

Ambry Genetics
Classification: Uncertain significance for Inborn genetic diseases. Last evaluated: 2023-09-29. Review status: criteria provided, single submitter. Criteria: Ambry Variant Classification Scheme 2023. Collection method: clinical testing. Allele origin: germline.

Women's Health and Genetics/Laboratory Corporation of America, LabCorp
Classification: Uncertain significance. Last evaluated: 2022-11-01. Review status: criteria provided, single submitter. Criteria: LabCorp Variant Classification Summary - May 2015. Collection method: clinical testing. Allele origin: germline.
Comment: Variant summary: LAMA1 c.4025T>C (p.Val1342Ala) results in a non-conservative amino acid change located in the Laminin IV domain (IPR000034) of the encoded protein sequence. Three of five in-silico tools predict a benign effect of the variant on protein function. The variant allele was found at a frequency of 1.6e-05 in 251422 control chromosomes (gnomAD). The available data on variant occurrences in the general population are insufficient to allow any conclusion about variant significance. To our knowledge, no occurrence of c.4025T>C in individuals affected with Ataxia-Intellectual Disability-Oculomotor Apraxia-Cerebellar Cysts Syndrome and no experimental evidence demonstrating its impact on protein function have been reported. No clinical diagnostic laboratories have submitted clinical-significance assessments for this variant to ClinVar after 2014. Based on the evidence outlined above, the variant was classified as uncertain significance.

Labcorp Genetics (formerly Invitae), Labcorp
Classification: Uncertain significance. Last evaluated: 2022-02-28. Review status: criteria provided, single submitter. Criteria: Invitae Variant Classification Sherloc (09022015). Collection method: clinical testing. Allele origin: germline.
Comment: This sequence change replaces valine, which is neutral and non-polar, with alanine, which is neutral and non-polar, at codon 1342 of the LAMA1 protein (p.Val1342Ala). This variant is present in population databases (rs747342592, gnomAD 0.004%). This variant has not been reported in the literature in individuals affected with LAMA1-related conditions. Algorithms developed to predict the effect of missense changes on protein structure and function are either unavailable or do not agree on the potential impact of this missense change (SIFT: "Tolerated"; PolyPhen-2: "Possibly Damaging"; Align-GVGD: "Class C0"). In summary, the available evidence is currently insufficient to determine the role of this variant in disease. Therefore, it has been classified as a Variant of Uncertain Significance.

NM_005559.4(LAMA1):c.4025T>C (p.Val1342Ala)

Gene: LAMA1 (laminin subunit alpha 1; minus strand). Cytogenetic location: 18p11.31.
Variant type: single nucleotide variant.
Coding change: c.4025T>C on transcript NM_005559.4 (MANE Select); coding-DNA position 4025, T replaced by C.
Protein change: p.Val1342Ala; replaces valine 1342 with alanine.
Molecular consequence: missense variant.
Genome position (GRCh38, 1-based): chr18:7,008,585, A>G on the plus strand (T>C on the coding strand, the complement: LAMA1 is on the minus strand). VCF-style: chr18-7008585-A-G. GRCh37 (hg19) VCF-style: chr18-7008584-A-G.
Other names: short protein forms V1342A.
Identifiers: ClinVar variation 1804769 (VCV001804769.5), dbSNP rs747342592, ClinGen allele CA8882061.